The following is an entry in ClinVar:

NM_001005373.4(LRSAM1):c.1946C>T (p.Pro649Leu)

Gene: LRSAM1 (leucine rich repeat and sterile alpha motif containing 1; plus strand). Cytogenetic location: 9q34.11.
Variant type: single nucleotide variant.
Coding change: c.1946C>T on transcript NM_001005373.4 (MANE Select); coding-DNA position 1946, C replaced by T.
Protein change: p.Pro649Leu; replaces proline 649 with leucine.
Molecular consequence: missense variant. On other transcripts: non-coding transcript variant (2).
Genome position (GRCh38, 1-based): chr9:127,501,043, C>T. VCF-style: chr9-127501043-C-T. GRCh37 (hg19) VCF-style: chr9-130263322-C-T.
Other names: c.1946C>T, p.Pro649Leu (NM_001384142.1, NM_138361.5, NM_001005374.4); c.1847C>T, p.Pro616Leu (NM_001384143.1); c.1157C>T, p.Pro386Leu (NM_001384144.1); c.1865C>T, p.Pro622Leu (NM_001190723.3); short protein forms P386L, P616L, P622L, P649L.
Identifiers: ClinVar variation 3362221 (VCV003362221.2).

ClinVar aggregate classification (germline): Uncertain significance. Review status: criteria provided, multiple submitters, no conflicts (2 of 4 stars). 2 submissions from 2 submitters: Uncertain significance (2). Last evaluated 2025-10-08.

gnomAD v4.1: 7 of 1,614,060 alleles (0.00043%); highest among the groups gnomAD compares: Non-Finnish European, 0.00059%; no homozygotes.

Submissions (2):

Women's Health and Genetics/Laboratory Corporation of America, LabCorp
Classification: Uncertain significance. Last evaluated: 2025-10-08. Review status: criteria provided, single submitter. Criteria: LabCorp Variant Classification Summary - May 2015. Collection method: clinical testing. Allele origin: germline.
Comment: Variant summary: LRSAM1 c.1946C>T (p.Pro649Leu) results in a non-conservative amino acid change in the encoded protein sequence. Algorithms developed to predict the effect of missense changes on protein structure and function are either unavailable or do not agree on the potential impact of this missense change. The variant was absent in 251294 control chromosomes. The available data on variant occurrences in the general population are insufficient to allow any conclusion about variant significance. To our knowledge, no occurrence of c.1946C>T in individuals affected with LRSAM1-related conditions and no experimental evidence demonstrating its impact on protein function have been reported. ClinVar contains an entry for this variant (Variation ID: 3362221). Based on the evidence outlined above, the variant was classified as uncertain significance.

GeneDx
Classification: Uncertain significance. Last evaluated: 2023-05-26. Review status: criteria provided, single submitter. Criteria: GeneDx Variant Classification Process June 2021. Collection method: clinical testing. Allele origin: germline. Affected: yes.
Comment: Not observed at significant frequency in large population cohorts (gnomAD); In silico analysis supports that this missense variant has a deleterious effect on protein structure/function; Has not been previously published as pathogenic or benign to our knowledge